The following is an entry in ClinVar:

ClinVar aggregate classification (germline): Uncertain significance (1 of 4 stars; one submission).

Allele frequency attached by ClinVar (database versions not stated): gnomAD exomes below 0.00001; ExAC 0.00002; TOPMed 0.00004; gnomAD 0.00005; ESP Exome Variant Server 0.00008.
gnomAD v4.1: 11 of 1,576,668 alleles (0.0007%); highest among the groups gnomAD compares: African/African-American, 0.012%; no homozygotes.

Submission:

Labcorp Genetics (formerly Invitae), Labcorp
Classification: Uncertain significance. Last evaluated: 2025-05-06. Review status: criteria provided, single submitter. Criteria: Invitae Variant Classification Sherloc (09022015). Collection method: clinical testing. Allele origin: germline.
Comment: This sequence change replaces asparagine, which is neutral and polar, with serine, which is neutral and polar, at codon 5 of the SLC12A1 protein (p.Asn5Ser). This variant is present in population databases (rs376723001, gnomAD 0.02%). This variant has not been reported in the literature in individuals affected with SLC12A1-related conditions. ClinVar contains an entry for this variant (Variation ID: 1911168). Invitae Evidence Modeling of protein sequence and biophysical properties (such as structural, functional, and spatial information, amino acid conservation, physicochemical variation, residue mobility, and thermodynamic stability) has been performed for this missense variant. However, the output from this modeling did not meet the statistical confidence thresholds required to predict the impact of this variant on SLC12A1 protein function. In summary, the available evidence is currently insufficient to determine the role of this variant in disease. Therefore, it has been classified as a Variant of Uncertain Significance.

NM_000338.3(SLC12A1):c.14A>G (p.Asn5Ser)

Gene: SLC12A1 (solute carrier family 12 member 1; plus strand). Cytogenetic location: 15q21.1.
Variant type: single nucleotide variant.
Coding change: c.14A>G on transcript NM_000338.3 (MANE Select); coding-DNA position 14, A replaced by G.
Protein change: p.Asn5Ser; replaces asparagine 5 with serine.
Molecular consequence: missense variant.
Genome position (GRCh38, 1-based): chr15:48,207,733, A>G. VCF-style: chr15-48207733-A-G. GRCh37 (hg19) VCF-style: chr15-48499930-A-G.
Other names: c.14A>G, p.Asn5Ser (NM_001184832.2, NM_001384136.1); short protein forms N5S.
Identifiers: ClinVar variation 1911168 (VCV001911168.5), dbSNP rs376723001, ClinGen allele CA7546677.
Genomic context (GRCh38, chr15:48,207,733, plus strand): 5'-AAAACAACCACAAAGTAGATAGCTCAGTAAAAAATCAATTTTGGAAGATGTCACTGAACA[A>G]CTCTTCCAATGTATTTCTGGATTCAGTGCCCAGTAATACCAATCGCTTTCAAGTTAGTGT-3'
Protein context (NP_000329.2, residues 1-15): MSLN[Asn5Ser]SSNVFLDSVP